The following is an entry in ClinVar:

ClinVar aggregate classification (germline): Uncertain significance. Review status: criteria provided, multiple submitters, no conflicts (2 of 4 stars). 3 submissions from 3 submitters: Uncertain significance (3). Last evaluated 2025-09-22.

Conditions:
Neuropathy, hereditary sensory and autonomic, type 2A (HSAN2A). Also called: HSAN IIA; ACROOSTEOLYSIS, GIACCAI TYPE; ACROOSTEOLYSIS, NEUROGENIC; MORVAN DISEASE; NEUROPATHY, CONGENITAL SENSORY; NEUROPATHY, HEREDITARY SENSORY RADICULAR, AUTOSOMAL RECESSIVE. Identifiers: Orphanet 970, MedGen C2752089, MONDO:0024309, OMIM 201300.
Generalized epilepsy with febrile seizures plus, type 7 (GEFSP7). Also called: GEFS+, TYPE 7. Identifiers: Orphanet 36387, MedGen C2751778, MONDO:0013470, OMIM 613863.
Inborn genetic diseases. Identifiers: MedGen C0950123, MeSH D030342.

Allele frequency attached by ClinVar (database versions not stated): TOPMed below 0.00001.

Submissions (3):

Labcorp Genetics (formerly Invitae), Labcorp
Classification: Uncertain significance for Neuropathy, hereditary sensory and autonomic, type 2A; Generalized epilepsy with febrile seizures plus, type 7. Last evaluated: 2025-09-22. Review status: criteria provided, single submitter. Criteria: Invitae Variant Classification Sherloc (09022015). Collection method: clinical testing. Allele origin: germline.
Comment: This sequence change replaces isoleucine, which is neutral and non-polar, with phenylalanine, which is neutral and non-polar, at codon 1399 of the SCN9A protein (p.Ile1399Phe). This variant is not present in population databases (gnomAD no frequency). This variant has not been reported in the literature in individuals affected with SCN9A-related conditions. ClinVar contains an entry for this variant (Variation ID: 1018448). Invitae Evidence Modeling of protein sequence and biophysical properties (such as structural, functional, and spatial information, amino acid conservation, physicochemical variation, residue mobility, and thermodynamic stability) indicates that this missense variant is not expected to disrupt SCN9A protein function with a negative predictive value of 95%. In summary, the available evidence is currently insufficient to determine the role of this variant in disease. Therefore, it has been classified as a Variant of Uncertain Significance.

Ambry Genetics
Classification: Uncertain significance for Inborn genetic diseases. Last evaluated: 2021-06-12. Review status: criteria provided, single submitter. Criteria: Ambry Variant Classification Scheme 2023. Collection method: clinical testing. Allele origin: germline.
Comment: The p.I1399F variant (also known as c.4195A>T), located in coding exon 22 of the SCN9A gene, results from an A to T substitution at nucleotide position 4195. The isoleucine at codon 1399 is replaced by phenylalanine, an amino acid with highly similar properties. This amino acid position is conserved. In addition, the in silico prediction for this alteration is inconclusive. Since supporting evidence is limited at this time, the clinical significance of this alteration remains unclear.

Mayo Clinic Laboratories, Mayo Clinic
Classification: Uncertain significance. Last evaluated: 2019-06-03. Review status: criteria provided, single submitter. Criteria: ACMG Guidelines, 2015. Collection method: clinical testing. Allele origin: germline. Observed: 1 variant allele.

NM_001365536.1(SCN9A):c.4228A>T (p.Ile1410Phe)

Genes: SCN1A-AS1 (SCN1A and SCN9A antisense RNA 1; plus strand), SCN9A (sodium voltage-gated channel alpha subunit 9; minus strand). Cytogenetic location: 2q24.3.
Variant type: single nucleotide variant.
Coding change: c.4228A>T on transcript NM_001365536.1 (MANE Select); coding-DNA position 4228, A replaced by T.
Protein change: p.Ile1410Phe; replaces isoleucine 1410 with phenylalanine.
Molecular consequence: missense variant.
Genome position (GRCh38, 1-based): chr2:166,227,702, T>A on the plus strand (A>T on the coding strand, the complement: SCN9A is on the minus strand). VCF-style: chr2-166227702-T-A. GRCh37 (hg19) VCF-style: chr2-167084212-T-A.
Other names: c.4195A>T, p.Ile1399Phe (NM_002977.4); short protein forms I1399F, I1410F.
Identifiers: ClinVar variation 1018448 (VCV001018448.15), dbSNP rs199996056, ClinGen allele CA59809688.